The following is an entry in ClinVar:

ClinVar aggregate classification (germline): Pathogenic (1 of 4 stars; one submission).

Conditions:
Primary ciliary dyskinesia 3. Identifiers: Orphanet 244, MedGen C1837618, MONDO:0012085, OMIM 608644.

Submission:

Myriad Genetics, Inc.
Classification: Pathogenic for Primary ciliary dyskinesia 3. Last evaluated: 2024-05-14. Review status: criteria provided, single submitter. Criteria: Myriad Autosomal Dominant, Autosomal Recessive and X-Linked Classification Criteria (2023). Collection method: clinical testing. Allele origin: unknown.
Comment: NM_001369.2(DNAH5):c.4671_4672ins11(K1558Sfs*20) is expected to be pathogenic in the context of primary ciliary dyskinesia, DNAH5-related. This variant is predicted to lead to an abnormal or absent protein product due to the creation of a premature termination codon in DNAH5, a gene where loss-of-function variants are known to be pathogenic. Please note: this variant was assessed in the context of healthy population screening.

NM_001369.3(DNAH5):c.4671_4672insTCTGGGGAACA (p.Lys1558fs)

Genes: DNAH5 (dynein axonemal heavy chain 5; minus strand), DNAH5-AS1 (DNAH5 antisense RNA 1; plus strand). Cytogenetic location: 5p15.2.
Variant type: Insertion.
Coding change: c.4671_4672insTCTGGGGAACA on transcript NM_001369.3 (MANE Select); coding-DNA positions 4671 to 4672, TCTGGGGAACA inserted.
Protein change: p.Lys1558fs; shifts the reading frame from lysine 1558.
Molecular consequence: frameshift variant.
Genome position: GRCh38 VCF-style: chr5-13862672-T-TTGTTCCCCAGA. GRCh37 (hg19) VCF-style: chr5-13862781-T-TTGTTCCCCAGA.
Other names: short protein forms K1558fs.
Identifiers: ClinVar variation 5010832 (VCV005010832.1).